The following is an entry in ClinVar:

NM_182961.4(SYNE1):c.3740A>G (p.Glu1247Gly)

Gene: SYNE1 (spectrin repeat containing nuclear envelope protein 1; minus strand). Cytogenetic location: 6q25.2.
Variant type: single nucleotide variant.
Coding change: c.3740A>G on transcript NM_182961.4 (MANE Select); coding-DNA position 3740, A replaced by G.
Protein change: p.Glu1247Gly; replaces glutamic acid 1247 with glycine.
Molecular consequence: missense variant.
Genome position (GRCh38, 1-based): chr6:152,444,508, T>C on the plus strand (A>G on the coding strand, the complement: SYNE1 is on the minus strand). VCF-style: chr6-152444508-T-C. GRCh37 (hg19) VCF-style: chr6-152765643-T-C.
Other names: c.3740A>G (NM_182961.2); c.3761A>G, p.Glu1254Gly (NM_033071.5); short protein forms E1247G, E1254G.
Identifiers: ClinVar variation 1419587 (VCV001419587.7), dbSNP rs908679898, ClinGen allele CA150232248.

ClinVar aggregate classification (germline): Uncertain significance. Review status: criteria provided, multiple submitters, no conflicts (2 of 4 stars). 2 submissions from 2 submitters: Uncertain significance (2). Last evaluated 2025-09-02.

Conditions:
Emery-Dreifuss muscular dystrophy 4, autosomal dominant (EDMD4). Also called: EMERY-DREIFUSS MUSCULAR DYSTROPHY 4 WITH VARIABLE FEATURES. Identifiers: Orphanet 261, MedGen C2751807, MONDO:0013071, OMIM 612998.
Autosomal recessive ataxia, Beauce type. Also called: Spinocerebellar ataxia, autosomal recessive 8; ATAXIA, RECESSIVE, OF BEAUCE; SYNE1 Deficiency; SYNE1-Related Autosomal Recessive Cerebellar Ataxia. Identifiers: Orphanet 88644, MedGen C1853116, MONDO:0012549, OMIM 610743.

Allele frequency attached by ClinVar (database versions not stated): gnomAD exomes below 0.00001 and 0.00001; gnomAD 0.00001.
gnomAD v4.1: 8 of 1,613,812 alleles (0.0005%); highest among the groups gnomAD compares: Middle Eastern, 0.033%; no homozygotes.

Submissions (2):

Labcorp Genetics (formerly Invitae), Labcorp
Classification: Uncertain significance for Emery-Dreifuss muscular dystrophy 4, autosomal dominant; Autosomal recessive ataxia, Beauce type. Last evaluated: 2025-09-02. Review status: criteria provided, single submitter. Criteria: Invitae Variant Classification Sherloc (09022015). Collection method: clinical testing. Allele origin: germline.
Comment: This sequence change replaces glutamic acid, which is acidic and polar, with glycine, which is neutral and non-polar, at codon 1254 of the SYNE1 protein (p.Glu1254Gly). This variant is present in population databases (no rsID available, gnomAD 0.003%). This variant has not been reported in the literature in individuals affected with SYNE1-related conditions. ClinVar contains an entry for this variant (Variation ID: 1419587). An algorithm developed to predict the effect of missense changes on protein structure and function outputs the following: PolyPhen-2: "Benign". The glycine amino acid residue is found in multiple mammalian species, which suggests that this missense change does not adversely affect protein function. In summary, the available evidence is currently insufficient to determine the role of this variant in disease. Therefore, it has been classified as a Variant of Uncertain Significance.

Athena Diagnostics
Classification: Uncertain significance. Last evaluated: 2024-04-26. Review status: criteria provided, single submitter. Criteria: Athena Diagnostics Criteria. Collection method: clinical testing. Allele origin: unknown.
Comment: Available data are insufficient to determine the clinical significance of the variant at this time. The frequency of this variant in the general population is uninformative in assessment of its pathogenicity. Polyphen and MutationTaster predict this amino acid change may be benign.